The following is an entry in ClinVar:

NM_001164508.2(NEB):c.13085G>A (p.Trp4362Ter)

Gene: NEB (nebulin; minus strand). Cytogenetic location: 2q23.3.
Variant type: single nucleotide variant.
Coding change: c.13085G>A on transcript NM_001164508.2 (MANE Select); coding-DNA position 13085, G replaced by A.
Protein change: p.Trp4362Ter; replaces tryptophan 4362 with a stop codon.
Molecular consequence: nonsense. On other transcripts: intron variant (1).
Genome position (GRCh38, 1-based): chr2:151,603,747, C>T on the plus strand (G>A on the coding strand, the complement: NEB is on the minus strand). VCF-style: chr2-151603747-C-T. GRCh37 (hg19) VCF-style: chr2-152460261-C-T.
Other names: c.13085G>A, p.Trp4362Ter (NM_001164507.2, NM_001271208.2); c.11601+6062G>A (NM_004543.5); short protein forms W4362*.
Identifiers: ClinVar variation 1408902 (VCV001408902.8), dbSNP rs1449776440, ClinGen allele CA348772583.

ClinVar aggregate classification (germline): Pathogenic (1 of 4 stars; one submission).

Conditions:
Nemaline myopathy 2 (NEM2). Also called: Nemaline myopathy 2, autosomal recessive. Identifiers: MedGen C1850569, MONDO:0009725, OMIM 256030.

Submission:

Labcorp Genetics (formerly Invitae), Labcorp
Classification: Pathogenic for Nemaline myopathy 2. Last evaluated: 2023-11-24. Review status: criteria provided, single submitter. Criteria: Invitae Variant Classification Sherloc (09022015). Collection method: clinical testing. Allele origin: germline.
Comment: This variant occurs in a region of NEB (Exons 82-105) consisting of three highly homologous 8-exon repeat units (exons 82-89, exons 90-97, exons 98-105). Sequence variants in this region can be detected, but this assay cannot determine which of the three repeat units is affected, and zygosity is often ambiguous. All variants in this region are reported relative to the exon 82-89 repeat. This sequence change creates a premature translational stop signal (p.Trp4362*) in the NEB gene. It is expected to result in an absent or disrupted protein product. Loss-of-function variants in NEB are known to be pathogenic (PMID: 25205138). The frequency data for this variant in the population databases (gnomAD) is considered unreliable due to the presence of homologous sequence, such as pseudogenes or paralogs, in the genome. This variant has not been reported in the literature in individuals affected with NEB-related conditions. ClinVar contains an entry for this variant (Variation ID: 1408902). For these reasons, this variant has been classified as Pathogenic.

Literature cited by the submitters: PubMed 25205138.